The following is an entry in ClinVar:

ClinVar aggregate classification (germline): Benign/Likely benign. Review status: criteria provided, multiple submitters, no conflicts (2 of 4 stars). 3 submissions from 3 submitters: Benign (1); Likely benign (2). Last evaluated 2024-04-25.

Conditions:
Hereditary cancer-predisposing syndrome. Also called: Neoplastic Syndromes, Hereditary; Tumor predisposition; Hereditary Cancer Syndrome; Hereditary neoplastic syndrome. Identifiers: Orphanet 140162, MedGen C0027672, MeSH D009386, MONDO:0015356.
Familial cancer of breast. Also called: Hereditary breast cancer; BREAST CANCER, FAMILIAL; hereditary breast carcinoma. Identifiers: Orphanet 227535, MedGen C0346153, MONDO:0016419, OMIM 114480. Disease mechanism: loss of function.
Ataxia-telangiectasia syndrome (AT). Also called: Cerebello-oculocutaneous telangiectasia; Immunodeficiency with ataxia telangiectasia; ATAXIA-TELANGIECTASIA, COMPLEMENTATION GROUP A; ATAXIA-TELANGIECTASIA, FRESNO VARIANT; Ataxia-telangiectasia; Ataxia-telangiectasia, complementation group D. Identifiers: Orphanet 100, MedGen C0004135, MONDO:0008840, OMIM 208900.

Submissions (3):

Myriad Genetics, Inc.
Classification: Benign for Familial cancer of breast. Last evaluated: 2024-04-25. Review status: criteria provided, single submitter. Criteria: Myriad Autosomal Dominant, Autosomal Recessive and X-Linked Classification Criteria (2023). Collection method: clinical testing. Allele origin: unknown.
Comment: This variant is considered benign. This variant is a silent/synonymous amino acid change and it is not expected to impact splicing.

Labcorp Genetics (formerly Invitae), Labcorp
Classification: Likely benign for Ataxia-telangiectasia syndrome. Last evaluated: 2024-01-24. Review status: criteria provided, single submitter. Criteria: Invitae Variant Classification Sherloc (09022015). Collection method: clinical testing. Allele origin: germline.

Ambry Genetics
Classification: Likely benign for Hereditary cancer-predisposing syndrome. Last evaluated: 2021-03-02. Review status: criteria provided, single submitter. Criteria: Ambry Variant Classification Scheme 2023. Collection method: clinical testing. Allele origin: germline.

NM_000051.4(ATM):c.1170A>G (p.Glu390=)

Gene: ATM (ATM serine/threonine kinase; plus strand). Cytogenetic location: 11q22.3.
Variant type: single nucleotide variant.
Coding change: c.1170A>G on transcript NM_000051.4 (MANE Select); coding-DNA position 1170, A replaced by G.
Protein change: p.Glu390=; no amino-acid change (glutamic acid 390 retained).
Molecular consequence: synonymous variant.
Genome position (GRCh38, 1-based): chr11:108,249,037, A>G. VCF-style: chr11-108249037-A-G. GRCh37 (hg19) VCF-style: chr11-108119764-A-G.
Other names: c.1170A>G, p.Glu390= (NM_001351834.2).
Identifiers: ClinVar variation 1126037 (VCV001126037.12), dbSNP rs2135293693, ClinGen allele CA476671750.